The following is an entry in ClinVar:

NM_015346.4(ZFYVE26):c.4066T>G (p.Cys1356Gly)

Gene: ZFYVE26 (zinc finger FYVE-type containing 26; minus strand). Cytogenetic location: 14q24.1.
Variant type: single nucleotide variant.
Coding change: c.4066T>G on transcript NM_015346.4 (MANE Select); coding-DNA position 4066, T replaced by G.
Protein change: p.Cys1356Gly; replaces cysteine 1356 with glycine.
Molecular consequence: missense variant.
Genome position (GRCh38, 1-based): chr14:67,783,086, A>C on the plus strand (T>G on the coding strand, the complement: ZFYVE26 is on the minus strand). VCF-style: chr14-67783086-A-C. GRCh37 (hg19) VCF-style: chr14-68249803-A-C.
Other names: short protein forms C1356G.
Identifiers: ClinVar variation 313900 (VCV000313900.30), dbSNP rs149276487, ClinGen allele CA7239844.
Genomic context (GRCh38, chr14:67,783,086, plus strand): 5'-GCTCCCAGGCAGCCAGGAGGAAGGCCTCAAACAGAGGGAATTGTTCCAGAAGGCGCTCAC[A>C]CTCCCGGGCTACCTGCTCTGCAGCCAGAGGCACCTCCCTGCGGCCACGAAGTTCCTTCCA-3'
Protein context (NP_056161.2, residues 1346-1366): PLAAEQVARE[Cys1356Gly]ERLLEQFPLF

ClinVar aggregate classification (germline): Benign/Likely benign. Review status: criteria provided, multiple submitters, no conflicts (2 of 4 stars). 7 submissions from 7 submitters: Benign (5); Likely benign (2). Last evaluated 2026-10-01.

Conditions:
Spastic paraplegia. Identifiers: MedGen C0037772, HP:0001258.
Hereditary spastic paraplegia. Also called: Familial spastic paraparesis. Identifiers: Orphanet 685, MedGen C0037773, MONDO:0019064. Disease mechanism: loss of function.
Hereditary spastic paraplegia 15 (SPG15). Also called: SPASTIC PARAPLEGIA 15, AUTOSOMAL RECESSIVE; KJELLIN SYNDROME; SPASTIC PARAPLEGIA AND RETINAL DEGENERATION. Identifiers: Orphanet 100996, MedGen C1849128, MONDO:0010044, OMIM 270700.

Allele frequency attached by ClinVar (database versions not stated): ESP Exome Variant Server 0.00023; gnomAD 0.00166; ExAC 0.00189; TOPMed 0.00189; gnomAD exomes 0.00200; 1000 Genomes Project 0.00419; 1000 Genomes Project 30x 0.00453.
gnomAD v4.1: 1,078 of 1,613,060 alleles (0.067%); highest among the groups gnomAD compares: East Asian, 1.3%; 30 homozygotes.

Submissions (14):

CeGaT Center for Human Genetics Tuebingen
Classification: Benign. Last evaluated: 2026-10-01. Review status: criteria provided, single submitter. Criteria: CeGaT Center For Human Genetics Tuebingen Variant Classification Criteria Version 2. Collection method: clinical testing. Allele origin: germline. Affected: yes. Observed: 2 variant alleles.
Comment: ZFYVE26: BS1, BS2

Labcorp Genetics (formerly Invitae), Labcorp
Classification: Benign for Spastic paraplegia. Last evaluated: 2026-01-20. Review status: criteria provided, single submitter. Criteria: Invitae Variant Classification Sherloc (09022015). Collection method: clinical testing. Allele origin: germline.

Athena Diagnostics
Classification: Benign. Last evaluated: 2024-07-30. Review status: criteria provided, single submitter. Criteria: Athena Diagnostics Criteria. Collection method: clinical testing. Allele origin: unknown.

Genome-Nilou Lab
Classification: Benign for Hereditary spastic paraplegia 15. Last evaluated: 2021-12-05. Review status: criteria provided, single submitter. Criteria: ACMG Guidelines, 2015. Collection method: clinical testing. Allele origin: germline. Affected: no.

Genome Diagnostics Laboratory, The Hospital for Sick Children
Classification: Likely benign for Hereditary spastic paraplegia. Last evaluated: 2021-12-01. Review status: criteria provided, single submitter. Criteria: ACMG Guidelines, 2015. Collection method: clinical testing. Allele origin: germline. Affected: yes.

Illumina Laboratory Services, Illumina
Classification: Likely benign for Hereditary spastic paraplegia 15. Last evaluated: 2018-01-13. Review status: criteria provided, single submitter. Criteria: ICSL Variant Classification Criteria 13 December 2019. Collection method: clinical testing. Allele origin: germline.
Comment: This variant was observed in the ICSL laboratory as part of a predisposition screen in an ostensibly healthy population. It had not been previously curated by ICSL or reported in the Human Gene Mutation Database (HGMD: prior to June 1st, 2018), and was therefore a candidate for classification through an automated scoring system. Utilizing variant allele frequency, disease prevalence and penetrance estimates, and inheritance mode, an automated score was calculated to assess if this variant is too frequent to cause the disease. Based on the score and internal cut-off values, a variant classified as likely benign is not then subjected to further curation. The score for this variant resulted in a classification of likely benign for this disease.

Mayo Clinic Laboratories, Mayo Clinic
Classification: Benign. Last evaluated: 2016-12-14. Review status: criteria provided, single submitter. Criteria: ACMG Guidelines, 2015. Collection method: clinical testing. Allele origin: germline. Observed: 2 variant alleles.

Dr. Peter K. Rogan Lab, Western University
No classification provided (evidence only). Condition: Familial cancer of breast. Review status: no classification provided. Collection method: in vitro. Allele origin: not applicable. Functional consequence: retained intron. Not counted in ClinVar's aggregate classification.

Dr. Peter K. Rogan Lab, Western University
No classification provided (evidence only). Condition: Thyroid cancer, nonmedullary, 1. Review status: no classification provided. Collection method: in vitro. Allele origin: not applicable. Functional consequence: retained intron. Not counted in ClinVar's aggregate classification.

Dr. Peter K. Rogan Lab, Western University
No classification provided (evidence only). Condition: Cervical cancer. Review status: no classification provided. Collection method: in vitro. Allele origin: not applicable. Functional consequence: retained intron. Not counted in ClinVar's aggregate classification.

Dr. Peter K. Rogan Lab, Western University
No classification provided (evidence only). Condition: Hepatocellular carcinoma. Review status: no classification provided. Collection method: in vitro. Allele origin: not applicable. Functional consequence: retained intron. Not counted in ClinVar's aggregate classification.

Dr. Peter K. Rogan Lab, Western University
No classification provided (evidence only). Condition: Hepatocellular carcinoma. Review status: no classification provided. Collection method: in vitro. Allele origin: not applicable. Functional consequence: retained intron. Not counted in ClinVar's aggregate classification.

Dr. Peter K. Rogan Lab, Western University
No classification provided (evidence only). Condition: Gastric cancer. Review status: no classification provided. Collection method: in vitro. Allele origin: not applicable. Functional consequence: retained intron. Not counted in ClinVar's aggregate classification.

Dr. Peter K. Rogan Lab, Western University
No classification provided (evidence only). Condition: Adrenocortical carcinoma, hereditary. Review status: no classification provided. Collection method: in vitro. Allele origin: not applicable. Functional consequence: retained intron. Not counted in ClinVar's aggregate classification.